The following is an entry in ClinVar:

ClinVar aggregate classification (germline): Uncertain significance (1 of 4 stars; one submission).

Submission:

Labcorp Genetics (formerly Invitae), Labcorp
Classification: Uncertain significance. Last evaluated: 2023-07-12. Review status: criteria provided, single submitter. Criteria: Invitae Variant Classification Sherloc (09022015). Collection method: clinical testing. Allele origin: germline.
Comment: This variant has not been reported in the literature in individuals affected with POLE-related conditions. In summary, the available evidence is currently insufficient to determine the role of this variant in disease. Therefore, it has been classified as a Variant of Uncertain Significance. Advanced modeling of protein sequence and biophysical properties (such as structural, functional, and spatial information, amino acid conservation, physicochemical variation, residue mobility, and thermodynamic stability) performed at Invitae indicates that this missense variant is not expected to disrupt POLE protein function. This variant is not present in population databases (gnomAD no frequency). This sequence change replaces aspartic acid, which is acidic and polar, with glutamic acid, which is acidic and polar, at codon 601 of the POLE protein (p.Asp601Glu).

NM_006231.4(POLE):c.1803T>A (p.Asp601Glu)

Gene: POLE (DNA polymerase epsilon, catalytic subunit; minus strand). Cytogenetic location: 12q24.33.
Variant type: single nucleotide variant.
Coding change: c.1803T>A on transcript NM_006231.4 (MANE Select); coding-DNA position 1803, T replaced by A.
Protein change: p.Asp601Glu; replaces aspartic acid 601 with glutamic acid.
Molecular consequence: missense variant.
Genome position (GRCh38, 1-based): chr12:132,668,931, A>T on the plus strand (T>A on the coding strand, the complement: POLE is on the minus strand). VCF-style: chr12-132668931-A-T. GRCh37 (hg19) VCF-style: chr12-133245517-A-T.
Other names: short protein forms D601E.
Identifiers: ClinVar variation 2742131 (VCV002742131.3), dbSNP rs2542105450, ClinGen allele CA387355633.